The following is an entry in ClinVar:

ClinVar aggregate classification (germline): Uncertain significance. Review status: criteria provided, multiple submitters, no conflicts (2 of 4 stars). 2 submissions from 2 submitters: Uncertain significance (2). Last evaluated 2025-07-12.

Conditions:
Progressive familial heart block type IB (PFHB1B). Identifiers: Orphanet 871, MedGen C1970298, MONDO:0011474, OMIM 604559.
Cardiovascular phenotype. Identifiers: MedGen CN230736.

gnomAD v4.1: 3 of 1,613,906 alleles (0.00019%); highest among the groups gnomAD compares: Non-Finnish European, 0.00025%; no homozygotes.

Submissions (2):

Ambry Genetics
Classification: Uncertain significance for Cardiovascular phenotype. Last evaluated: 2025-07-12. Review status: criteria provided, single submitter. Criteria: Ambry Variant Classification Scheme 2023. Collection method: clinical testing. Allele origin: germline.
Comment: The p.R405P variant (also known as c.1214G>C), located in coding exon 10 of the TRPM4 gene, results from a G to C substitution at nucleotide position 1214. The arginine at codon 405 is replaced by proline, an amino acid with dissimilar properties. This amino acid position is conserved. In addition, this alteration is predicted to be deleterious by in silico analysis. Since supporting evidence is limited at this time, the clinical significance of this alteration remains unclear.

Labcorp Genetics (formerly Invitae), Labcorp
Classification: Uncertain significance for Progressive familial heart block type IB. Last evaluated: 2023-05-02. Review status: criteria provided, single submitter. Criteria: Invitae Variant Classification Sherloc (09022015). Collection method: clinical testing. Allele origin: germline.
Comment: ClinVar contains an entry for this variant (Variation ID: 1751230). In summary, the available evidence is currently insufficient to determine the role of this variant in disease. Therefore, it has been classified as a Variant of Uncertain Significance. An algorithm developed to predict the effect of missense changes on protein structure and function (PolyPhen-2) suggests that this variant is likely to be disruptive. This variant has not been reported in the literature in individuals affected with TRPM4-related conditions. This variant is not present in population databases (gnomAD no frequency). This sequence change replaces arginine, which is basic and polar, with proline, which is neutral and non-polar, at codon 405 of the TRPM4 protein (p.Arg405Pro).

NM_017636.4(TRPM4):c.1214G>C (p.Arg405Pro)

Gene: TRPM4 (transient receptor potential cation channel subfamily M member 4; plus strand). Cytogenetic location: 19q13.33.
Variant type: single nucleotide variant.
Coding change: c.1214G>C on transcript NM_017636.4 (MANE Select); coding-DNA position 1214, G replaced by C.
Protein change: p.Arg405Pro; replaces arginine 405 with proline.
Molecular consequence: missense variant. On other transcripts: 5 prime UTR variant (1), intron variant (1).
Genome position (GRCh38, 1-based): chr19:49,181,412, G>C. VCF-style: chr19-49181412-G-C. GRCh37 (hg19) VCF-style: chr19-49684669-G-C.
Other names: c.1214G>C, p.Arg405Pro (NM_001195227.2); c.869G>C, p.Arg290Pro (NM_001321281.2); c.-340G>C (NM_001321282.2); c.692G>C, p.Arg231Pro (NM_001321283.2); c.202-1166G>C (NM_001321285.2); short protein forms R231P, R290P, R405P.
Identifiers: ClinVar variation 1751230 (VCV001751230.6), dbSNP rs752951205, ClinGen allele CA406797811.